The following is an entry in ClinVar:

NM_000264.5(PTCH1):c.945del (p.Lys315fs)

Gene: PTCH1 (patched 1; minus strand). Cytogenetic location: 9q22.32.
Variant type: Deletion.
Coding change: c.945del on transcript NM_000264.5 (MANE Select); coding-DNA position 945, one base deleted (A; older notation c.945delA).
Protein change: p.Lys315fs; shifts the reading frame from lysine 315.
Molecular consequence: frameshift variant. On other transcripts: non-coding transcript variant (1).
Genome position (GRCh38, 1-based): chr9:95,480,390, T deleted on the plus strand (A on the coding strand, the reverse complement: PTCH1 is on the minus strand); the first of 3 consecutive T bases (chr9:95,480,390-95,480,392); deleting any one gives the same sequence. VCF-style (leftmost placement, unchanged base first): chr9-95480389-CT-C. GRCh37 (hg19) VCF-style: chr9-98242671-CT-C.
Other names: c.747del, p.Lys249fs (NM_001083602.3); c.942del, p.Lys314fs (NM_001083603.3); c.492del, p.Lys164fs (NM_001083604.3, NM_001083605.3, NM_001083606.3 and 1 more transcripts); c.945del, p.Lys315fs (NM_001354918.2); short protein forms K164fs, K315fs, K249fs, K314fs.
Identifiers: ClinVar variation 2833063 (VCV002833063.3), dbSNP rs2538230203, ClinGen allele CA2739264788.

ClinVar aggregate classification (germline): Pathogenic (1 of 4 stars; one submission).

Conditions:
Gorlin syndrome. Also called: Nevoid Basal Cell Carcinoma Syndrome; Basal cell nevus syndrome. Identifiers: Orphanet 377, MedGen C0004779, MONDO:0007187.

Submission:

Labcorp Genetics (formerly Invitae), Labcorp
Classification: Pathogenic for Gorlin syndrome. Last evaluated: 2023-01-31. Review status: criteria provided, single submitter. Criteria: Invitae Variant Classification Sherloc (09022015). Collection method: clinical testing. Allele origin: germline.
Comment: For these reasons, this variant has been classified as Pathogenic. Algorithms developed to predict the effect of sequence changes on RNA splicing suggest that this variant may disrupt the consensus splice site. This variant is also known as c.942delC. This premature translational stop signal has been observed in individual(s) with basal cell nevus syndrome (PMID: 8981943). This variant is not present in population databases (gnomAD no frequency). This sequence change creates a premature translational stop signal (p.Lys315Asnfs*9) in the PTCH1 gene. It is expected to result in an absent or disrupted protein product. Loss-of-function variants in PTCH1 are known to be pathogenic (PMID: 16301862, 16419085).

Literature cited by the submitters: PubMed 8981943; PubMed 16301862; PubMed 16419085.